The following is an entry in ClinVar:

NM_182914.3(SYNE2):c.20131C>T (p.His6711Tyr)

Gene: SYNE2 (spectrin repeat containing nuclear envelope protein 2; plus strand). Cytogenetic location: 14q23.2.
Variant type: single nucleotide variant.
Coding change: c.20131C>T on transcript NM_182914.3 (MANE Select); coding-DNA position 20131, C replaced by T.
Protein change: p.His6711Tyr; replaces histidine 6711 with tyrosine.
Molecular consequence: missense variant.
Genome position (GRCh38, 1-based): chr14:64,221,645, C>T. VCF-style: chr14-64221645-C-T. GRCh37 (hg19) VCF-style: chr14-64688363-C-T.
Other names: c.20062C>T, p.His6688Tyr (NM_015180.6); c.697C>T, p.His233Tyr (NM_182910.2); c.1075C>T, p.His359Tyr (NM_182913.4); short protein forms H6688Y, H233Y, H6711Y, H359Y.
Identifiers: ClinVar variation 3667467 (VCV003667467.2).

ClinVar aggregate classification (germline): Uncertain significance (1 of 4 stars; one submission).

Conditions:
Emery-Dreifuss muscular dystrophy 5, autosomal dominant (EDMD5). Also called: EMERY-DREIFUSS MUSCULAR DYSTROPHY 5. Identifiers: Orphanet 261, MedGen C2751805, MONDO:0013072, OMIM 612999.

Submission:

Labcorp Genetics (formerly Invitae), Labcorp
Classification: Uncertain significance for Emery-Dreifuss muscular dystrophy 5, autosomal dominant. Last evaluated: 2024-03-20. Review status: criteria provided, single submitter. Criteria: Invitae Variant Classification Sherloc (09022015). Collection method: clinical testing. Allele origin: germline.
Comment: This sequence change replaces histidine, which is basic and polar, with tyrosine, which is neutral and polar, at codon 6711 of the SYNE2 protein (p.His6711Tyr). This variant is not present in population databases (gnomAD no frequency). This variant has not been reported in the literature in individuals affected with SYNE2-related conditions. An algorithm developed to predict the effect of missense changes on protein structure and function (PolyPhen-2) suggests that this variant is likely to be tolerated. In summary, the available evidence is currently insufficient to determine the role of this variant in disease. Therefore, it has been classified as a Variant of Uncertain Significance.